The following is an entry in ClinVar:

NM_006531.5(IFT88):c.1604A>T (p.Asp535Val)

Gene: IFT88 (intraflagellar transport 88; plus strand). Cytogenetic location: 13q12.11.
Variant type: single nucleotide variant.
Coding change: c.1604A>T on transcript NM_006531.5 (MANE Select); coding-DNA position 1604, A replaced by T.
Protein change: p.Asp535Val; replaces aspartic acid 535 with valine.
Molecular consequence: missense variant. On other transcripts: non-coding transcript variant (4).
Genome position (GRCh38, 1-based): chr13:20,641,320, A>T. VCF-style: chr13-20641320-A-T. GRCh37 (hg19) VCF-style: chr13-21215459-A-T.
Other names: c.1547A>T, p.Asp516Val (NM_001318491.2, NM_001353575.2); c.1631A>T, p.Asp544Val (NM_001318493.2, NM_001353565.2, NM_001353566.2 and 2 more transcripts); c.1604A>T, p.Asp535Val (NM_001353568.2, NM_001353572.2); c.1529A>T, p.Asp510Val (NM_001353569.2, NM_001353570.2, NM_001353576.2 and 1 more transcripts); c.1502A>T, p.Asp501Val (NM_001353571.2, NM_001353578.2); c.1460A>T, p.Asp487Val (NM_001353573.2); c.1445A>T, p.Asp482Val (NM_001353574.2); c.971A>T, p.Asp324Val (NM_001353579.2); and 1 more; short protein forms D487V, D510V, D535V, D482V, D501V, D324V, D544V, D516V.
Identifiers: ClinVar variation 730872 (VCV000730872.11), dbSNP rs148732064, ClinGen allele CA6905473.
Genomic context (GRCh38, chr13:20,641,320, plus strand): 5'-AGATTTTCTTTTTTTTCTTCTTTTTTTAAGGCCTTACCTATGAGAAACTAAATCGGCTAG[A>T]TGAGGCTTTGGACTGTTTCCTGAAACTTCACGCAATCCTACGAAACAGTGCCGAAGTTCT-3'
Protein context (NP_006522.2, residues 525-545): GLTYEKLNRL[Asp535Val]EALDCFLKLH

ClinVar aggregate classification (germline): Likely benign. Review status: criteria provided, single submitter (1 of 4 stars). 2 submissions from 2 submitters: Likely benign (1). 1 of the submissions does not count toward it. Last evaluated 2026-01-15.

Conditions:
IFT88-related disorder. Also called: IFT88-related condition.

Allele frequency attached by ClinVar (database versions not stated): TOPMed 0.00006; ESP Exome Variant Server 0.00008; gnomAD 0.00010 and 0.00019; 1000 Genomes Project 30x 0.00047; gnomAD exomes 0.00051; ExAC 0.00058; 1000 Genomes Project 0.00060.
gnomAD v4.1: 412 of 1,611,034 alleles (0.026%); highest among the groups gnomAD compares: South Asian, 0.3%; 4 homozygotes.

Submissions (2):

Labcorp Genetics (formerly Invitae), Labcorp
Classification: Likely benign. Last evaluated: 2026-01-15. Review status: criteria provided, single submitter. Criteria: Invitae Variant Classification Sherloc (09022015). Collection method: clinical testing. Allele origin: germline.

PreventionGenetics, part of Exact Sciences
Classification: Likely benign for IFT88-related condition. Last evaluated: 2023-12-14. Review status: no assertion criteria provided. Collection method: clinical testing. Allele origin: germline. Not counted in ClinVar's aggregate classification.
Comment: This variant is classified as likely benign based on ACMG/AMP sequence variant interpretation guidelines (Richards et al. 2015 PMID: 25741868, with internal and published modifications).